The following is an entry in ClinVar:

NM_000051.4(ATM):c.925A>C (p.Arg309=)

Gene: ATM (ATM serine/threonine kinase; plus strand). Cytogenetic location: 11q22.3.
Variant type: single nucleotide variant.
Coding change: c.925A>C on transcript NM_000051.4 (MANE Select); coding-DNA position 925, A replaced by C.
Protein change: p.Arg309=; no amino-acid change (arginine 309 retained).
Molecular consequence: synonymous variant.
Genome position (GRCh38, 1-based): chr11:108,246,987, A>C. VCF-style: chr11-108246987-A-C. GRCh37 (hg19) VCF-style: chr11-108117714-A-C.
Other names: c.925A>C, p.Arg309= (NM_001351834.2).
Identifiers: ClinVar variation 799891 (VCV000799891.16), dbSNP rs876659841, ClinGen allele CA476671507.

ClinVar aggregate classification (germline): Benign/Likely benign. Review status: criteria provided, multiple submitters, no conflicts (2 of 4 stars). 3 submissions from 3 submitters: Benign (1); Likely benign (2). Last evaluated 2024-04-24.

Conditions:
Familial cancer of breast. Also called: BREAST CANCER, FAMILIAL; Hereditary breast cancer; hereditary breast carcinoma. Identifiers: Orphanet 227535, MedGen C0346153, MONDO:0016419, OMIM 114480. Disease mechanism: loss of function.
Ataxia-telangiectasia syndrome (AT). Also called: Ataxia-telangiectasia, complementation group E; Ataxia-telangiectasia, complementation group D; Ataxia telangiectasia (A-T); LOUIS-BAR SYNDROME; ATAXIA-TELANGIECTASIA, COMPLEMENTATION GROUP A; ATAXIA-TELANGIECTASIA, FRESNO VARIANT. Identifiers: Orphanet 100, MedGen C0004135, MONDO:0008840, OMIM 208900.
Hereditary cancer-predisposing syndrome. Also called: Neoplastic Syndromes, Hereditary; Hereditary Cancer Syndrome; Tumor predisposition; Hereditary neoplastic syndrome. Identifiers: Orphanet 140162, MedGen C0027672, MeSH D009386, MONDO:0015356.

Submissions (3):

Myriad Genetics, Inc.
Classification: Benign for Familial cancer of breast. Last evaluated: 2024-04-24. Review status: criteria provided, single submitter. Criteria: Myriad Autosomal Dominant, Autosomal Recessive and X-Linked Classification Criteria (2023). Collection method: clinical testing. Allele origin: unknown.
Comment: This variant is considered benign. This variant is a silent/synonymous amino acid change and it is not expected to impact splicing.

Labcorp Genetics (formerly Invitae), Labcorp
Classification: Likely benign for Ataxia-telangiectasia syndrome. Last evaluated: 2022-08-27. Review status: criteria provided, single submitter. Criteria: Invitae Variant Classification Sherloc (09022015). Collection method: clinical testing. Allele origin: germline.

Ambry Genetics
Classification: Likely benign for Hereditary cancer-predisposing syndrome. Last evaluated: 2019-06-10. Review status: criteria provided, single submitter. Criteria: Ambry Variant Classification Scheme 2023. Collection method: clinical testing. Allele origin: germline.